The following is an entry in ClinVar:

NM_000070.3(CAPN3):c.217G>T (p.Val73Phe)

Gene: CAPN3 (calpain 3; plus strand). Cytogenetic location: 15q15.1.
Variant type: single nucleotide variant.
Coding change: c.217G>T on transcript NM_000070.3 (MANE Select); coding-DNA position 217, G replaced by T.
Protein change: p.Val73Phe; replaces valine 73 with phenylalanine.
Molecular consequence: missense variant.
Genome position (GRCh38, 1-based): chr15:42,360,022, G>T. VCF-style: chr15-42360022-G-T. GRCh37 (hg19) VCF-style: chr15-42652220-G-T.
Other names: c.217G>T, p.Val73Phe (NM_024344.2, NM_173087.2); short protein forms V73F.
Identifiers: ClinVar variation 5003664 (VCV005003664.1).

ClinVar aggregate classification (germline): Uncertain significance (1 of 4 stars; one submission).

Conditions:
Autosomal recessive limb-girdle muscular dystrophy type 2A (LGMDR1). Also called: Muscular dystrophy, limb-girdle, type 2A, Amish; Limb-girdle muscular dystrophy, type 2A; Calpainopathy; LEYDEN-MOEBIUS MUSCULAR DYSTROPHY; MUSCULAR DYSTROPHY, PELVOFEMORAL. Identifiers: Orphanet 267, MedGen C1869123, MONDO:0009675, OMIM 253600. Disease mechanism: loss of function.

gnomAD v4.1: 4 of 1,614,214 alleles (0.00025%); highest among the groups gnomAD compares: South Asian, 0.0033%; no homozygotes.

Submission:

Myriad Genetics, Inc.
Classification: Uncertain significance for Autosomal recessive limb-girdle muscular dystrophy type 2A. Last evaluated: 2025-11-06. Review status: criteria provided, single submitter. Criteria: Myriad Autosomal Dominant, Autosomal Recessive and X-Linked Classification Criteria (2023). Collection method: clinical testing. Allele origin: unknown.
Comment: NM_000070.2(CAPN3):c.217G>T(V73F) is a missense variant classified as a variant of uncertain significance in the context of calpainopathy. V73F has been observed in a case with relevant disease (PMID: 39678382). Relevant functional assessments of this variant are not available in the literature. V73F has been observed in referenced population frequency databases. In summary, there is insufficient evidence to classify NM_000070.2(CAPN3):c.217G>T(V73F) as pathogenic or benign. Please note: this variant was assessed in the context of healthy population screening.

Literature cited by the submitters: PubMed 39678382.